The following is an entry in ClinVar:

NM_001048174.2(MUTYH):c.592A>C (p.Ile198Leu)

Gene: MUTYH (mutY DNA glycosylase; minus strand). Cytogenetic location: 1p34.1.
Variant type: single nucleotide variant.
Coding change: c.592A>C on transcript NM_001048174.2 (MANE Select); coding-DNA position 592, A replaced by C.
Protein change: p.Ile198Leu; replaces isoleucine 198 with leucine.
Molecular consequence: missense variant. On other transcripts: non-coding transcript variant (2).
Genome position (GRCh38, 1-based): chr1:45,332,588, T>G on the plus strand (A>C on the coding strand, the complement: MUTYH is on the minus strand). VCF-style: chr1-45332588-T-G. GRCh37 (hg19) VCF-style: chr1-45798260-T-G.
Other names: c.592A>C, p.Ile198Leu (NM_001048171.2, NM_001048173.2, NM_001293195.2 and 6 more transcripts); c.595A>C, p.Ile199Leu (NM_001048172.2, NM_001407071.1, NM_001407078.1 and 1 more transcripts); c.676A>C, p.Ile226Leu (NM_001128425.2); c.637A>C, p.Ile213Leu (NM_001293190.2); c.625A>C, p.Ile209Leu (NM_001293191.2, NM_001407069.1, NM_001407077.1); c.316A>C, p.Ile106Leu (NM_001293192.2, NM_001293196.2, NM_001407091.1); c.247A>C, p.Ile83Leu (NM_001350650.2, NM_001350651.2, NM_001407082.1); c.508A>C, p.Ile170Leu (NM_001407075.1); and 5 more; short protein forms I170L, I223L, I83L, I106L, I184L, I198L, I205L, I209L.
Identifiers: ClinVar variation 1755326 (VCV001755326.3), dbSNP rs200965879, ClinGen allele CA340135283.

ClinVar aggregate classification (germline): Uncertain significance. Review status: criteria provided, multiple submitters, no conflicts (2 of 4 stars). 2 submissions from 2 submitters: Uncertain significance (2). Last evaluated 2025-06-22.

Conditions:
Hereditary cancer-predisposing syndrome. Also called: Hereditary Cancer Syndrome; Hereditary neoplastic syndrome; Neoplastic Syndromes, Hereditary; Tumor predisposition. Identifiers: Orphanet 140162, MedGen C0027672, MeSH D009386, MONDO:0015356.
Familial adenomatous polyposis 2. Also called: MUTYH-associated polyposis; MUTYH-related attenuated familial adenomatous polyposis; FAP type 2; Adenomas, multiple colorectal; MYH-associated polyposis; MUTYH Polyposis. Identifiers: Orphanet 220460, Orphanet 247798, MedGen C3272841, MONDO:0012041, OMIM 608456.

Submissions (2):

Labcorp Genetics (formerly Invitae), Labcorp
Classification: Uncertain significance for Familial adenomatous polyposis 2. Last evaluated: 2025-06-22. Review status: criteria provided, single submitter. Criteria: Invitae Variant Classification Sherloc (09022015). Collection method: clinical testing. Allele origin: germline.
Comment: This sequence change replaces isoleucine, which is neutral and non-polar, with leucine, which is neutral and non-polar, at codon 226 of the MUTYH protein (p.Ile226Leu). This variant is not present in population databases (gnomAD no frequency). This variant has not been reported in the literature in individuals affected with MUTYH-related conditions. ClinVar contains an entry for this variant (Variation ID: 1755326). An algorithm developed to predict the effect of missense changes on protein structure and function (PolyPhen-2) suggests that this variant is likely to be disruptive. In summary, the available evidence is currently insufficient to determine the role of this variant in disease. Therefore, it has been classified as a Variant of Uncertain Significance.

Ambry Genetics
Classification: Uncertain significance for Hereditary cancer-predisposing syndrome. Last evaluated: 2021-10-16. Review status: criteria provided, single submitter. Criteria: Ambry Variant Classification Scheme 2023. Collection method: clinical testing. Allele origin: germline.
Comment: The p.I226L variant (also known as c.676A>C), located in coding exon 8 of the MUTYH gene, results from an A to C substitution at nucleotide position 676. The isoleucine at codon 226 is replaced by leucine, an amino acid with highly similar properties. This amino acid position is conserved. In addition, the in silico prediction for this alteration is inconclusive. Since supporting evidence is limited at this time, the clinical significance of this alteration remains unclear.